The following is an entry in ClinVar:

NM_001211.6(BUB1B):c.3050C>G (p.Ala1017Gly)

Genes: BUB1B (BUB1 mitotic checkpoint serine/threonine kinase B; plus strand), BUB1B-PAK6 (BUB1B-PAK6 readthrough; plus strand). Cytogenetic location: 15q15.1.
Variant type: single nucleotide variant.
Coding change: c.3050C>G on transcript NM_001211.6 (MANE Select); coding-DNA position 3050, C replaced by G.
Protein change: p.Ala1017Gly; replaces alanine 1017 with glycine.
Molecular consequence: missense variant. On other transcripts: intron variant (2).
Genome position (GRCh38, 1-based): chr15:40,220,656, C>G. VCF-style: chr15-40220656-C-G. GRCh37 (hg19) VCF-style: chr15-40512857-C-G.
Other names: c.-201+2989C>G (NM_001128628.3); c.-118+2989C>G (NM_001128629.3); short protein forms A1017G.
Identifiers: ClinVar variation 1799267 (VCV001799267.2), dbSNP rs2542594029, ClinGen allele CA391689969.

ClinVar aggregate classification (germline): Uncertain significance (1 of 4 stars; one submission).

Conditions:
Inborn genetic diseases. Identifiers: MedGen C0950123, MeSH D030342.

Submission:

Ambry Genetics
Classification: Uncertain significance for Inborn genetic diseases. Last evaluated: 2022-04-29. Review status: criteria provided, single submitter. Criteria: Ambry Variant Classification Scheme 2023. Collection method: clinical testing. Allele origin: germline.
Comment: The p.A1017G variant (also known as c.3050C>G), located in coding exon 23 of the BUB1B gene, results from a C to G substitution at nucleotide position 3050. The alanine at codon 1017 is replaced by glycine, an amino acid with similar properties. This amino acid position is conserved. In addition, this alteration is predicted to be tolerated by in silico analysis. Since supporting evidence is limited at this time, the clinical significance of this alteration remains unclear.